The following is an entry in ClinVar:

ClinVar aggregate classification (germline): Uncertain significance (1 of 4 stars; one submission).

Submission:

Ambry Genetics
Classification: Uncertain significance. Last evaluated: 2023-10-28. Review status: criteria provided, single submitter. Criteria: Ambry Variant Classification Scheme 2023. Collection method: clinical testing. Allele origin: germline.
Comment: The p.N694K variant (also known as c.2082T>A), located in coding exon 14 of the RINT1 gene, results from a T to A substitution at nucleotide position 2082. The asparagine at codon 694 is replaced by lysine, an amino acid with similar properties. This amino acid position is conserved. In addition, this alteration is predicted to be tolerated by in silico analysis. Since supporting evidence is limited at this time, the clinical significance of this alteration remains unclear.

NM_021930.6(RINT1):c.2082T>A (p.Asn694Lys)

Genes: EFCAB10 (EF-hand calcium binding domain 10; minus strand), RINT1 (RAD50 interactor 1; plus strand). Cytogenetic location: 7q22.3.
Variant type: single nucleotide variant.
Coding change: c.2082T>A on transcript NM_021930.6 (MANE Select); coding-DNA position 2082, T replaced by A.
Protein change: p.Asn694Lys; replaces asparagine 694 with lysine.
Molecular consequence: missense variant. On other transcripts: 3 prime UTR variant (1), non-coding transcript variant (1), intron variant (2).
Genome position (GRCh38, 1-based): chr7:105,565,544, T>A. VCF-style: chr7-105565544-T-A. GRCh37 (hg19) VCF-style: chr7-105205991-T-A.
Other names: c.*5A>T (NM_001355530.2); c.1848T>A, p.Asn616Lys (NM_001346599.2); c.1059T>A, p.Asn353Lys (NM_001346600.2, NM_001346603.2); c.1158T>A, p.Asn386Lys (NM_001346601.2); c.360-97A>T (NM_001355531.2); c.384-97A>T (NM_001355526.2); short protein forms N353K, N386K, N616K, N694K.
Identifiers: ClinVar variation 3227632 (VCV003227632.1), dbSNP rs2485186065, ClinGen allele CA368815066.
Genomic context (GRCh38, chr7:105,565,544, plus strand): 5'-CTGTGATAATAAAGACAACTGTTATATGAATTATTCTTTGTTTCAGATAATTCTTGCTAA[T>A]CACTTCAATGAAGGAGGAGCAGCCCAGCTGCAGTTTGATATGACTCGGAATCTTTTCCCT-3'
Protein context (NP_068749.3, residues 684-704): VYIYQEIILA[Asn694Lys]HFNEGGAAQL